The following is an entry in ClinVar:

ClinVar aggregate classification (germline): Uncertain significance. Review status: criteria provided, multiple submitters, no conflicts (2 of 4 stars). 2 submissions from 2 submitters: Uncertain significance (2). Last evaluated 2025-11-03.

Conditions:
Inborn genetic diseases. Identifiers: MedGen C0950123, MeSH D030342.

Allele frequency attached by ClinVar (database versions not stated): gnomAD 0.00007.
gnomAD v4.1: 97 of 1,611,648 alleles (0.006%); highest among the groups gnomAD compares: Non-Finnish European, 0.0071%; no homozygotes.

Submissions (2):

Ambry Genetics
Classification: Uncertain significance for Inborn genetic diseases. Last evaluated: 2025-11-03. Review status: criteria provided, single submitter. Criteria: Ambry Variant Classification Scheme 2023. Collection method: clinical testing. Allele origin: germline.

Labcorp Genetics (formerly Invitae), Labcorp
Classification: Uncertain significance. Last evaluated: 2023-09-15. Review status: criteria provided, single submitter. Criteria: Invitae Variant Classification Sherloc (09022015). Collection method: clinical testing. Allele origin: germline.
Comment: In summary, the available evidence is currently insufficient to determine the role of this variant in disease. Therefore, it has been classified as a Variant of Uncertain Significance. Algorithms developed to predict the effect of missense changes on protein structure and function output the following: SIFT: "Not Available"; PolyPhen-2: "Benign"; Align-GVGD: "Not Available". The valine amino acid residue is found in multiple mammalian species, which suggests that this missense change does not adversely affect protein function. ClinVar contains an entry for this variant (Variation ID: 2189953). This variant has not been reported in the literature in individuals affected with FGF23-related conditions. This variant is present in population databases (rs533026808, gnomAD 0.009%). This sequence change replaces alanine, which is neutral and non-polar, with valine, which is neutral and non-polar, at codon 202 of the FGF23 protein (p.Ala202Val).

NM_020638.3(FGF23):c.605C>T (p.Ala202Val)

Gene: FGF23 (fibroblast growth factor 23; minus strand). Cytogenetic location: 12p13.32.
Variant type: single nucleotide variant.
Coding change: c.605C>T on transcript NM_020638.3 (MANE Select); coding-DNA position 605, C replaced by T.
Protein change: p.Ala202Val; replaces alanine 202 with valine.
Molecular consequence: missense variant.
Genome position (GRCh38, 1-based): chr12:4,370,494, G>A on the plus strand (C>T on the coding strand, the complement: FGF23 is on the minus strand). VCF-style: chr12-4370494-G-A. GRCh37 (hg19) VCF-style: chr12-4479660-G-A.
Other names: c.605C>T (NM_020638.2); short protein forms A202V.
Identifiers: ClinVar variation 2189953 (VCV002189953.5), dbSNP rs533026808, ClinGen allele CA6395640.